The following is an entry in ClinVar:

NM_001127208.3(TET2):c.3485A>G (p.Glu1162Gly)

Genes: TET2 (tet methylcytosine dioxygenase 2; plus strand), TET2-AS1 (TET2 antisense RNA 1; minus strand). Cytogenetic location: 4q24.
Variant type: single nucleotide variant.
Coding change: c.3485A>G on transcript NM_001127208.3 (MANE Select); coding-DNA position 3485, A replaced by G.
Protein change: p.Glu1162Gly; replaces glutamic acid 1162 with glycine.
Molecular consequence: missense variant. On other transcripts: 3 prime UTR variant (1).
Genome position (GRCh38, 1-based): chr4:105,241,414, A>G. VCF-style: chr4-105241414-A-G. GRCh37 (hg19) VCF-style: chr4-106162571-A-G.
Other names: c.*3974A>G (NM_017628.4); short protein forms E1162G.
Identifiers: ClinVar variation 4865548 (VCV004865548.1).

ClinVar aggregate classification (germline): Uncertain significance (1 of 4 stars; one submission).

Submission:

Ambry Genetics
Classification: Uncertain significance. Last evaluated: 2026-04-20. Review status: criteria provided, single submitter. Criteria: Ambry Variant Classification Scheme 2023. Collection method: clinical testing. Allele origin: germline.
Comment: The p.E1162G variant (also known as c.3485A>G), located in coding exon 2 of the TET2 gene, results from an A to G substitution at nucleotide position 3485. The glutamic acid at codon 1162 is replaced by glycine, an amino acid with similar properties. This amino acid position is conserved. In addition, the in silico prediction for this alteration is inconclusive. Based on the available evidence, the clinical significance of this variant remains unclear.